The following is an entry in ClinVar:

ClinVar aggregate classification (germline): Conflicting classifications of pathogenicity. Review status: criteria provided, conflicting classifications (1 of 4 stars). 11 submissions from 5 submitters: Uncertain significance (4); Benign (5); Likely benign (2). Last evaluated 2026-05-28.

Conditions:
Geleophysic dysplasia. Identifiers: Orphanet 2623, MedGen C3489726, MONDO:0000127.
Weill-Marchesani syndrome. Also called: WM Syndrome; Mesodermal dysmorphodystrophy congenital. Identifiers: Orphanet 3449, MedGen C0265313, MONDO:0018096.
Acromicric dysplasia (ACMICD). Also called: Acromicric skeletal dysplasia. Identifiers: Orphanet 969, MedGen C0265287, MONDO:0007055, OMIM 102370.
Familial thoracic aortic aneurysm and aortic dissection (TAAD). Also called: Thoracic aortic aneurysms and dissections. Identifiers: Orphanet 91387, MedGen C4707243, MONDO:0019625.
Marfan syndrome (MFS). Also called: Marfan syndrome, classic; Marfan syndrome type 1; Marfan's syndrome; FBN1-Related Marfan Syndrome; MARFAN SYNDROME, TYPE I. Identifiers: Orphanet 284963, Orphanet 558, MedGen C0024796, MONDO:0007947, OMIM 154700.
Stiff skin syndrome (SSKS). Identifiers: Orphanet 2833, MedGen C1861456, MONDO:0008492, OMIM 184900.
Ectopia lentis 1, isolated, autosomal dominant (ECTOL1). Identifiers: Orphanet 1885, MedGen C3541518, MONDO:0007514, OMIM 129600.

Allele frequency attached by ClinVar (database versions not stated): ExAC 0.00002; gnomAD 0.00001 and below 0.00001; gnomAD exomes 0.00002 and 0.00001.
gnomAD v4.1: 11 of 1,613,710 alleles (0.00068%); highest among the groups gnomAD compares: South Asian, 0.011%; no homozygotes.

Submissions (11):

Ambry Genetics
Classification: Uncertain significance for Familial thoracic aortic aneurysm and aortic dissection. Last evaluated: 2026-05-28. Review status: criteria provided, single submitter. Criteria: Ambry Variant Classification Scheme 2023. Collection method: clinical testing. Allele origin: germline.
Comment: The p.F13C variant (also known as c.38T>G), located in coding exon 1 of the FBN1 gene, results from a T to G substitution at nucleotide position 38. The phenylalanine at codon 13 is replaced by cysteine, an amino acid with highly dissimilar properties. This amino acid position is conserved. In addition, the in silico prediction for this alteration is inconclusive. Based on the available evidence, the clinical significance of this variant remains unclear.

Labcorp Genetics (formerly Invitae), Labcorp
Classification: Benign for Marfan syndrome; Familial thoracic aortic aneurysm and aortic dissection. Last evaluated: 2024-08-28. Review status: criteria provided, single submitter. Criteria: Invitae Variant Classification Sherloc (09022015). Collection method: clinical testing. Allele origin: germline.

All of Us Research Program, National Institutes of Health
Classification: Uncertain significance for Marfan syndrome. Last evaluated: 2023-09-04. Review status: criteria provided, single submitter. Criteria: ACMG Guidelines, 2015. Collection method: clinical testing. Allele origin: germline. Inheritance: Autosomal dominant inheritance. Observed: 2 variant alleles, 2 heterozygotes.
Comment: This missense variant replaces phenylalanine with cysteine at codon 13 of the FBN1 protein. Computational prediction tools and conservation analyses are inconclusive regarding the impact of this variant on the protein function. Computational splicing tools suggest that this variant may not impact RNA splicing. To our knowledge, functional assays have not been performed for this variant nor has this variant been reported in individuals affected with cardiovascular disorders in the literature. This variant has been identified in 4/250964 chromosomes in the general population by the Genome Aggregation Database (gnomAD). Available evidence is insufficient to determine the role of this variant in disease conclusively. Therefore, this variant is classified as a Variant of Uncertain Significance.

This study involves interpretation of variants in research participants for the purpose of population health screening. Participant phenotype was not available at the time of variant classification. Additional details can be found in publication PMID: 35346344, PMCID: PMC8962531

Color Diagnostics, LLC DBA Color Health
Classification: Uncertain significance for Familial thoracic aortic aneurysm and aortic dissection. Last evaluated: 2023-08-23. Review status: criteria provided, single submitter. Criteria: ACMG Guidelines, 2015. Collection method: clinical testing. Allele origin: germline.
Comment: This missense variant replaces phenylalanine with cysteine at codon 13 of the FBN1 protein. Computational prediction suggests that this variant may not impact protein structure and function (internally defined REVEL score threshold <= 0.5, PMID: 27666373). To our knowledge, functional studies have not been reported for this variant. This variant has not been reported in individuals affected with FBN1-related disorders in the literature. This variant has been identified in 4/250964 chromosomes in the general population by the Genome Aggregation Database (gnomAD). The available evidence is insufficient to determine the role of this variant in disease conclusively. Therefore, this variant is classified as a Variant of Uncertain Significance.

Illumina Laboratory Services, Illumina
Classification: Likely benign for Weill-Marchesani syndrome. Last evaluated: 2018-01-13. Review status: criteria provided, single submitter. Criteria: ICSL Variant Classification Criteria 13 December 2019. Collection method: clinical testing. Allele origin: germline.
Comment: This variant was observed in the ICSL laboratory as part of a predisposition screen in an ostensibly healthy population. It had not been previously curated by ICSL or reported in the Human Gene Mutation Database (HGMD: prior to June 1st, 2018), and was therefore a candidate for classification through an automated scoring system. Utilizing variant allele frequency, disease prevalence and penetrance estimates, and inheritance mode, an automated score was calculated to assess if this variant is too frequent to cause the disease. Based on the score and internal cut-off values, a variant classified as likely benign is not then subjected to further curation. The score for this variant resulted in a classification of likely benign for this disease.

Illumina Laboratory Services, Illumina
Classification: Benign for Stiff skin syndrome. Last evaluated: 2018-01-13. Review status: criteria provided, single submitter. Criteria: ICSL Variant Classification Criteria 13 December 2019. Collection method: clinical testing. Allele origin: germline.
Comment: This variant was observed in the ICSL laboratory as part of a predisposition screen in an ostensibly healthy population. It had not been previously curated by ICSL or reported in the Human Gene Mutation Database (HGMD: prior to June 1st, 2018), and was therefore a candidate for classification through an automated scoring system. Utilizing variant allele frequency, disease prevalence and penetrance estimates, and inheritance mode, an automated score was calculated to assess if this variant is too frequent to cause the disease. Based on the score and internal cut-off values, a variant classified as benign is not then subjected to further curation. The score for this variant resulted in a classification of benign for this disease.

Illumina Laboratory Services, Illumina
Classification: Benign for Acromicric dysplasia. Last evaluated: 2018-01-13. Review status: criteria provided, single submitter. Criteria: ICSL Variant Classification Criteria 13 December 2019. Collection method: clinical testing. Allele origin: germline.
Comment: the same text as in the submission from Illumina Laboratory Services, Illumina above.

Illumina Laboratory Services, Illumina
Classification: Likely benign for Marfan syndrome. Last evaluated: 2018-01-13. Review status: criteria provided, single submitter. Criteria: ICSL Variant Classification Criteria 13 December 2019. Collection method: clinical testing. Allele origin: germline.
Comment: the same text as in the submission from Illumina Laboratory Services, Illumina above.

Illumina Laboratory Services, Illumina
Classification: Benign for Geleophysic dysplasia. Last evaluated: 2018-01-13. Review status: criteria provided, single submitter. Criteria: ICSL Variant Classification Criteria 13 December 2019. Collection method: clinical testing. Allele origin: germline.
Comment: the same text as in the submission from Illumina Laboratory Services, Illumina above.

Illumina Laboratory Services, Illumina
Classification: Uncertain significance for Familial thoracic aortic aneurysm and aortic dissection. Last evaluated: 2018-01-13. Review status: criteria provided, single submitter. Criteria: ICSL Variant Classification Criteria 13 December 2019. Collection method: clinical testing. Allele origin: germline.

Illumina Laboratory Services, Illumina
Classification: Benign for Ectopia lentis 1, isolated, autosomal dominant. Last evaluated: 2018-01-13. Review status: criteria provided, single submitter. Criteria: ICSL Variant Classification Criteria 13 December 2019. Collection method: clinical testing. Allele origin: germline.
Comment: the same text as in the submission from Illumina Laboratory Services, Illumina above.

NM_000138.5(FBN1):c.38T>G (p.Phe13Cys)

Genes: FBN1 (fibrillin 1; minus strand), LOC130057019 (ATAC-STARR-seq lymphoblastoid silent region 6417; plus strand). Cytogenetic location: 15q21.1.
Variant type: single nucleotide variant.
Coding change: c.38T>G on transcript NM_000138.5 (MANE Select); coding-DNA position 38, T replaced by G.
Protein change: p.Phe13Cys; replaces phenylalanine 13 with cysteine.
Molecular consequence: missense variant.
Genome position (GRCh38, 1-based): chr15:48,644,732, A>C on the plus strand (T>G on the coding strand, the complement: FBN1 is on the minus strand). VCF-style: chr15-48644732-A-C. GRCh37 (hg19) VCF-style: chr15-48936929-A-C.
Other names: short protein forms F13C.
Identifiers: ClinVar variation 885690 (VCV000885690.14), dbSNP rs773614956, ClinGen allele CA051680.